The following is an entry in ClinVar:

ClinVar aggregate classification (germline): Likely pathogenic (1 of 4 stars; one submission).

Conditions:
Weaver syndrome (WVS). Also called: Weaver Smith syndrome; Overgrowth syndrome with accelerated skeletal maturation, unusual facies, and camptodactyly. Identifiers: Orphanet 3447, MedGen C0265210, MONDO:0010193, OMIM 277590.

Submission:

Labcorp Genetics (formerly Invitae), Labcorp
Classification: Likely pathogenic for Weaver syndrome. Last evaluated: 2018-08-24. Review status: criteria provided, single submitter. Criteria: Invitae Variant Classification Sherloc (09022015). Collection method: clinical testing. Allele origin: germline.
Comment: This sequence change duplicates 12 nucleotides across the intron 19/exon 20 boundary of the EZH2 gene, including part of the canonical splice site. It is expected to either cause an in-frame insertion at p.Arg732 (p.Arg732_Tyr733insCysCysPheArg) or to have no protein effect, due to utilization of a newly created alternate splice site. This variant is not present in population databases (ExAC no frequency). Experimental studies have not been reported for this variant. If the canonical splice site is maintained and the duplicated sequence is translated, then this variant is expected to result in an in-frame insertion, for which experimental studies and prediction algorithms are not available. However, if the canonical splice site is not used, alternative splicing using the newly created splice site would likely have no effect on the translated protein. In summary, the currently available evidence indicates that the variant is pathogenic, but additional data are needed to prove that conclusively. Therefore, this variant has been classified as Likely Pathogenic.

NM_004456.5(EZH2):c.2196-10_2197dup

Gene: EZH2 (enhancer of zeste 2 polycomb repressive complex 2 subunit; minus strand). Cytogenetic location: 7q36.1.
Variant type: Duplication.
Coding change: c.2196-10_2197dup on transcript NM_004456.5 (MANE Select); 10 bases into the intron before coding-DNA position 2196 through coding-DNA position 2197, 12 bases duplicated (GTTGTTTCAGAT).
Molecular consequence: splice acceptor variant.
Genome position (GRCh38, 1-based): chr7:148,807,705-148,807,716, ATCTGAAACAAC duplicated on the plus strand (GTTGTTTCAGAT on the coding strand, the reverse complement: EZH2 is on the minus strand); duplicating any 12 consecutive bases within chr7:148,807,705-148,807,717 gives the same sequence; the c. name uses the placement nearest the transcript's 3' end. VCF-style (leftmost placement, unchanged base first): chr7-148807704-T-TATCTGAAACAAC. GRCh37 (hg19) VCF-style: chr7-148504796-T-TATCTGAAACAAC.
Other names: c.2154-10_2155dup (NM_001203248.2); c.2064-10_2065dup (NM_152998.3); c.2181-10_2182dup (NM_001203247.2); c.2028-10_2029dup (NM_001203249.2); c.2196-10_2197dupGTTGTTTCAGAT (NM_004456.4).
Identifiers: ClinVar variation 643660 (VCV000643660.7), dbSNP rs1584844589, ClinGen allele CA915945555.